The following is an entry in ClinVar:

ClinVar aggregate classification (germline): Uncertain significance. Review status: criteria provided, multiple submitters, no conflicts (2 of 4 stars). 4 submissions from 4 submitters: Uncertain significance (4). Last evaluated 2026-06-15.

Conditions:
Cardiovascular phenotype. Identifiers: MedGen CN230736.

Allele frequency attached by ClinVar (database versions not stated): 1000 Genomes Project 30x 0.00031; TOPMed 0.00010; gnomAD 0.00012; gnomAD exomes 0.00002.
gnomAD v4.1: 42 of 1,548,316 alleles (0.0027%); highest among the groups gnomAD compares: African/African-American, 0.055%; no homozygotes.

Submissions (4):

Women's Health and Genetics/Laboratory Corporation of America, LabCorp
Classification: Uncertain significance. Last evaluated: 2026-06-15. Review status: criteria provided, single submitter. Criteria: LabCorp Variant Classification Summary - May 2015. Collection method: clinical testing. Allele origin: germline.

Mayo Clinic Laboratories, Mayo Clinic
Classification: Uncertain significance. Last evaluated: 2025-04-29. Review status: criteria provided, single submitter. Criteria: ACMG Guidelines, 2015. Collection method: clinical testing. Allele origin: germline. Observed: 1 variant allele.
Comment: BP4_moderate, PM2_supporting

Ambry Genetics
Classification: Uncertain significance for Cardiovascular phenotype. Last evaluated: 2025-01-21. Review status: criteria provided, single submitter. Criteria: Ambry Variant Classification Scheme 2023. Collection method: clinical testing. Allele origin: germline.

Labcorp Genetics (formerly Invitae), Labcorp
Classification: Uncertain significance. Last evaluated: 2022-01-13. Review status: criteria provided, single submitter. Criteria: Invitae Variant Classification Sherloc (09022015). Collection method: clinical testing. Allele origin: germline.
Comment: This sequence change replaces glutamic acid, which is acidic and polar, with lysine, which is basic and polar, at codon 3241 of the ZNF469 protein (p.Glu3241Lys). The frequency data for this variant in the population databases is considered unreliable, as metrics indicate poor data quality at this position in the gnomAD database. This variant has not been reported in the literature in individuals affected with ZNF469-related conditions. Algorithms developed to predict the effect of missense changes on protein structure and function (SIFT, PolyPhen-2, Align-GVGD) all suggest that this variant is likely to be tolerated. In summary, the available evidence is currently insufficient to determine the role of this variant in disease. Therefore, it has been classified as a Variant of Uncertain Significance.

NM_001367624.2(ZNF469):c.9805G>A (p.Glu3269Lys)

Gene: ZNF469 (zinc finger protein 469; plus strand). Cytogenetic location: 16q24.2.
Variant type: single nucleotide variant.
Coding change: c.9805G>A on transcript NM_001367624.2 (MANE Select); coding-DNA position 9805, G replaced by A.
Protein change: p.Glu3269Lys; replaces glutamic acid 3269 with lysine.
Molecular consequence: missense variant.
Genome position (GRCh38, 1-based): chr16:88,437,275, G>A. VCF-style: chr16-88437275-G-A. GRCh37 (hg19) VCF-style: chr16-88503683-G-A.
Other names: NM_001127464.1:c.9721G>A; p.Glu3269Lys; short protein forms E3269K.
Identifiers: ClinVar variation 2197590 (VCV002197590.4), dbSNP rs1049120209, ClinGen allele CA286385802.